The following is an entry in ClinVar:

NM_033056.4(PCDH15):c.5516_5519del (p.Glu1839fs)

Gene: PCDH15 (protocadherin related 15; minus strand). Cytogenetic location: 10q21.1.
Variant type: Deletion.
Coding change: c.5516_5519del on transcript NM_033056.4 (MANE Plus Clinical); coding-DNA positions 5516 to 5519, 4 bases deleted (AGTG; older notation c.5516_5519delAGTG).
Protein change: p.Glu1839fs; shifts the reading frame from glutamic acid 1839.
Molecular consequence: frameshift variant. On other transcripts: intron variant (8).
Genome position (GRCh38, 1-based): chr10:53,822,207-53,822,210, CACT deleted on the plus strand (AGTG on the coding strand, the reverse complement: PCDH15 is on the minus strand); deleting any 4 consecutive bases within chr10:53,822,207-53,822,211 gives the same sequence; the c. name uses the placement nearest the transcript's 3' end. VCF-style (leftmost placement, unchanged base first): chr10-53822206-ACACT-A. GRCh37 (hg19) VCF-style: chr10-55581966-ACACT-A.
Other names: c.5396_5399del, p.Glu1799fs (NM_001142767.2); c.5456_5459del, p.Glu1819fs (NM_001142768.2); c.5447_5450del, p.Glu1816fs (NM_001142773.2); c.5450_5453del, p.Glu1817fs (NM_001354404.2); c.4367+5183_4367+5186del (NM_001354420.2); c.4368-4197_4368-4194del (NM_001354429.2); c.4368-1980_4368-1977del (NM_001384140.1); c.4373+2926_4373+2929del (NM_001142772.2, NM_001142770.3); and 8 more; short protein forms E1799fs, E1817fs, E1841fs, E1770fs, E1839fs, E1816fs, E1819fs, E1836fs.
Identifiers: ClinVar variation 2858729 (VCV002858729.4), dbSNP rs2492351091, ClinGen allele CA2739265374.
Genomic context (GRCh38, chr10:53,822,206, plus strand): 5'-GGACTTAATTTTCTCGGCAGGCATCAAGTTGGTCGTGCATTTAACACCTGTTATACAGAC[ACACT>A]CTGTGGACAGAAATGAAGCTGAAGGAGGTGGAGGGCAAGGAATAGAAGGAGGTGGTGGAG-3'

ClinVar aggregate classification (germline): Conflicting classifications of pathogenicity. Review status: criteria provided, conflicting classifications (1 of 4 stars). 2 submissions from 2 submitters: Likely pathogenic (1); Likely benign (1). Last evaluated 2025-01-10.

Conditions:
Autosomal recessive nonsyndromic hearing loss 23. Identifiers: Orphanet 90636, MedGen C1836027, MONDO:0012293, OMIM 609533.
Usher syndrome type 1F (USH1F). Also called: USHER SYNDROME, TYPE IF. Identifiers: Orphanet 231169, Orphanet 886, MedGen C1865885, MONDO:0011186, OMIM 602083.

Submissions (2):

First Genomix Gene Laboratory, Genetic Diagnostics Department
Classification: Likely pathogenic for Autosomal recessive nonsyndromic hearing loss 23; Usher syndrome type 1F. Last evaluated: 2025-01-10. Review status: criteria provided, single submitter. Criteria: ACMG Guidelines, 2015. Collection method: clinical testing. Allele origin: germline. Inheritance: Autosomal recessive inheritance. Affected: no. Observed: 1 variant allele.

Labcorp Genetics (formerly Invitae), Labcorp
Classification: Likely benign. Last evaluated: 2023-04-24. Review status: criteria provided, single submitter. Criteria: Invitae Variant Classification Sherloc (09022015). Collection method: clinical testing. Allele origin: germline.